The following is an entry in ClinVar:

ClinVar aggregate classification (germline): Pathogenic (1 of 4 stars; one submission).

Conditions:
Primary ciliary dyskinesia. Also called: Ciliary dyskinesia. Identifiers: Orphanet 244, MedGen C0008780, MONDO:0016575, HP:0012265.

Allele frequency attached by ClinVar (database versions not stated): gnomAD 0.00005 and 0.00006; TOPMed 0.00005; gnomAD exomes 0.00010 and 0.00003; ExAC 0.00015.
gnomAD v4.1: 52 of 1,559,878 alleles (0.0033%); highest among the groups gnomAD compares: Non-Finnish European, 0.00087%; no homozygotes.

Submission:

Labcorp Genetics (formerly Invitae), Labcorp
Classification: Pathogenic for Primary ciliary dyskinesia. Last evaluated: 2025-06-22. Review status: criteria provided, single submitter. Criteria: Invitae Variant Classification Sherloc (09022015). Collection method: clinical testing. Allele origin: germline.
Comment: This sequence change replaces leucine, which is neutral and non-polar, with proline, which is neutral and non-polar, at codon 213 of the CCNO protein (p.Leu213Pro). This variant is present in population databases (rs775051461, gnomAD 0.1%). This missense change has been observed in individual(s) with mucociliary clearance disorder (PMID: 26777464). ClinVar contains an entry for this variant (Variation ID: 411594). Invitae Evidence Modeling of protein sequence and biophysical properties (such as structural, functional, and spatial information, amino acid conservation, physicochemical variation, residue mobility, and thermodynamic stability) indicates that this missense variant is expected to disrupt CCNO protein function with a positive predictive value of 80%. Experimental studies have shown that this missense change affects CCNO function (PMID: 26777464). For these reasons, this variant has been classified as Pathogenic.

Literature cited by the submitters: PubMed 26777464.

NM_021147.5(CCNO):c.638T>C (p.Leu213Pro)

Gene: CCNO (cyclin O; minus strand). Cytogenetic location: 5q11.2.
Variant type: single nucleotide variant.
Coding change: c.638T>C on transcript NM_021147.5 (MANE Select); coding-DNA position 638, T replaced by C.
Protein change: p.Leu213Pro; replaces leucine 213 with proline.
Molecular consequence: missense variant. On other transcripts: non-coding transcript variant (3).
Genome position (GRCh38, 1-based): chr5:55,231,790, A>G on the plus strand (T>C on the coding strand, the complement: CCNO is on the minus strand). VCF-style: chr5-55231790-A-G. GRCh37 (hg19) VCF-style: chr5-54527618-A-G.
Other names: short protein forms L213P.
Identifiers: ClinVar variation 411594 (VCV000411594.8), dbSNP rs775051461, ClinGen allele CA3266707.